The following is an entry in ClinVar:

NM_000160.5(GCGR):c.1096G>A (p.Ala366Thr)

Gene: GCGR (glucagon receptor; plus strand). Cytogenetic location: 17q25.3.
Variant type: single nucleotide variant.
Coding change: c.1096G>A on transcript NM_000160.5 (MANE Select); coding-DNA position 1096, G replaced by A.
Protein change: p.Ala366Thr; replaces alanine 366 with threonine.
Molecular consequence: missense variant.
Genome position (GRCh38, 1-based): chr17:81,812,865, G>A. VCF-style: chr17-81812865-G-A. GRCh37 (hg19) VCF-style: chr17-79770741-G-A.
Other names: short protein forms A366T.
Identifiers: ClinVar variation 1049909 (VCV001049909.4), dbSNP rs370541643, ClinGen allele CA8842185.

ClinVar aggregate classification (germline): Uncertain significance. Review status: criteria provided, single submitter (1 of 4 stars). 2 submissions from 2 submitters: Uncertain significance (1). 1 of the submissions does not count toward it. Last evaluated 2023-11-09.

Allele frequency attached by ClinVar (database versions not stated): gnomAD 0.00011; gnomAD exomes 0.00012 and 0.00023; TOPMed 0.00016; ESP Exome Variant Server 0.00022.
gnomAD v4.1: 330 of 1,535,944 alleles (0.021%); highest among the groups gnomAD compares: Non-Finnish European, 0.027%; no homozygotes.

Submissions (2):

Labcorp Genetics (formerly Invitae), Labcorp
Classification: Uncertain significance. Last evaluated: 2023-11-09. Review status: criteria provided, single submitter. Criteria: Invitae Variant Classification Sherloc (09022015). Collection method: clinical testing. Allele origin: germline.
Comment: This sequence change replaces alanine, which is neutral and non-polar, with threonine, which is neutral and polar, at codon 366 of the GCGR protein (p.Ala366Thr). This variant is present in population databases (rs370541643, gnomAD 0.03%). This variant has not been reported in the literature in individuals affected with GCGR-related conditions. ClinVar contains an entry for this variant (Variation ID: 1049909). An algorithm developed to predict the effect of missense changes on protein structure and function (PolyPhen-2) suggests that this variant is likely to be disruptive. In summary, the available evidence is currently insufficient to determine the role of this variant in disease. Therefore, it has been classified as a Variant of Uncertain Significance.

Department of Pathology and Laboratory Medicine, Sinai Health System
Classification: Uncertain significance. Review status: no assertion criteria provided. Collection method: clinical testing. Allele origin: unknown. Affected: yes. Study: The Canadian Open Genetics Repository (COGR). Not counted in ClinVar's aggregate classification.
Comment: The GCGR p.Ala366Thr variant was not identified in the literature nor was it identified in ClinVar, Cosmic or LOVD 3.0. The variant was identified in dbSNP (ID: rs370541643) and in control databases in 17 of 141628 chromosomes at a frequency of 0.00012 (Genome Aggregation Database Feb 27, 2017). The variant was observed in the following populations: East Asian in 3 of 10592 chromosomes (freq: 0.000283), Other in 1 of 4220 chromosomes (freq: 0.000237), European (non-Finnish) in 12 of 57998 chromosomes (freq: 0.000207) and African in 1 of 7722 chromosomes (freq: 0.00013), but was not observed in the Latino, Ashkenazi Jewish, European (Finnish) or South Asian populations. The p.Ala366 residue is conserved in mammals and computational analyses (PolyPhen-2, SIFT, AlignGVGD, BLOSUM, MutationTaster) provide inconsistent predictions regarding the impact to the protein; this information is not very predictive of pathogenicity.The variant occurs outside of the splicing consensus sequence and in silico or computational prediction software programs (SpliceSiteFinder, MaxEntScan, NNSPLICE, GeneSplicer) do not predict a difference in splicing. In summary, based on the above information the clinical significance of this variant cannot be determined with certainty at this time. This variant is classified as a variant of uncertain significance.